The following is an entry in ClinVar:

NM_000245.4(MET):c.2136A>G (p.Pro712=)

Gene: MET (MET proto-oncogene, receptor tyrosine kinase; plus strand). Cytogenetic location: 7q31.2.
Variant type: single nucleotide variant.
Coding change: c.2136A>G on transcript NM_000245.4 (MANE Select); coding-DNA position 2136, A replaced by G.
Protein change: p.Pro712=; no amino-acid change (proline 712 retained).
Molecular consequence: synonymous variant.
Genome position (GRCh38, 1-based): chr7:116,758,492, A>G. VCF-style: chr7-116758492-A-G. GRCh37 (hg19) VCF-style: chr7-116398546-A-G.
Other names: c.2136A>G, p.Pro712= (NM_001127500.3, NM_001324401.3); c.846A>G, p.Pro282= (NM_001324402.2).
Identifiers: ClinVar variation 485753 (VCV000485753.20), dbSNP rs774439479, ClinGen allele CA4448417.

ClinVar aggregate classification (germline): Benign/Likely benign. Review status: criteria provided, multiple submitters, no conflicts (2 of 4 stars). 4 submissions from 4 submitters: Benign (1); Likely benign (3). Last evaluated 2025-12-21.

Conditions:
Renal cell carcinoma. Identifiers: Orphanet 217071, MedGen C0007134, MeSH D002292, MONDO:0005086, HP:0005584.
Hereditary cancer-predisposing syndrome. Also called: Tumor predisposition; Hereditary Cancer Syndrome; Hereditary neoplastic syndrome; Neoplastic Syndromes, Hereditary. Identifiers: Orphanet 140162, MedGen C0027672, MeSH D009386, MONDO:0015356.
Papillary renal cell carcinoma type 1 (RCCP1). Also called: RENAL CELL CARCINOMA, PAPILLARY, 1, SOMATIC; Renal adenocarcinoma; Renal cell carcinoma 1; Renal cell carcinoma, somatic. Identifiers: Orphanet 47044, MedGen C1336839, OMIM 605074, HP:0011797.

Allele frequency attached by ClinVar (database versions not stated): ExAC 0.00001; gnomAD 0.00001; gnomAD exomes 0.00001 and 0.00002; TOPMed 0.00001.

Submissions (4):

Labcorp Genetics (formerly Invitae), Labcorp
Classification: Likely benign for Renal cell carcinoma. Last evaluated: 2025-12-21. Review status: criteria provided, single submitter. Criteria: Invitae Variant Classification Sherloc (09022015). Collection method: clinical testing. Allele origin: germline.

Myriad Genetics, Inc.
Classification: Benign for Papillary renal cell carcinoma type 1. Last evaluated: 2024-11-08. Review status: criteria provided, single submitter. Criteria: Myriad Autosomal Dominant, Autosomal Recessive and X-Linked Classification Criteria (2023). Collection method: clinical testing. Allele origin: unknown.
Comment: This variant is considered benign. This variant is a silent/synonymous amino acid change and it is not expected to impact splicing.

Genetic Services Laboratory, University of Chicago
Classification: Likely benign. Last evaluated: 2021-03-29. Review status: criteria provided, single submitter. Criteria: ACMG Guidelines, 2015. Collection method: clinical testing. Allele origin: germline. Affected: no.

Ambry Genetics
Classification: Likely benign for Hereditary cancer-predisposing syndrome. Last evaluated: 2016-01-11. Review status: criteria provided, single submitter. Criteria: Ambry Variant Classification Scheme 2023. Collection method: clinical testing. Allele origin: germline.